The following is an entry in ClinVar:

ClinVar aggregate classification (germline): Benign. Review status: criteria provided, multiple submitters, no conflicts (2 of 4 stars). 3 submissions from 3 submitters: Benign (2). 1 of the submissions does not count toward it. Last evaluated 2018-06-21.

Conditions:
PCBP3-related disorder. Also called: PCBP3-related condition.

Allele frequency attached by ClinVar (database versions not stated): gnomAD exomes 0.00080 and 0.00174; ExAC 0.00312; 1000 Genomes Project 0.00559; gnomAD 0.00568 and 0.00609; 1000 Genomes Project 30x 0.00671; TOPMed 0.00674; ESP Exome Variant Server 0.00810.
gnomAD v4.1: 2,079 of 1,551,550 alleles (0.13%); highest among the groups gnomAD compares: African/African-American, 2%; 17 homozygotes.

Submissions (3):

Labcorp Genetics (formerly Invitae), Labcorp
Classification: Benign. Last evaluated: 2018-06-21. Review status: criteria provided, single submitter. Criteria: Invitae Variant Classification Sherloc (09022015). Collection method: clinical testing. Allele origin: germline.

Breakthrough Genomics
Classification: Benign. Review status: criteria provided, single submitter. Criteria: ACMG Guidelines, 2015. Collection method: not provided. Allele origin: germline. Inheritance: Unknown mechanism. Affected: yes.

PreventionGenetics, part of Exact Sciences
Classification: Benign for PCBP3-related condition. Last evaluated: 2020-01-02. Review status: no assertion criteria provided. Collection method: clinical testing. Allele origin: germline. Not counted in ClinVar's aggregate classification.
Comment: This variant is classified as benign based on ACMG/AMP sequence variant interpretation guidelines (Richards et al. 2015 PMID: 25741868, with internal and published modifications).

NM_001384156.1(PCBP3):c.15C>T (p.Asp5=)

Gene: PCBP3 (poly(rC) binding protein 3; plus strand). Cytogenetic location: 21q22.3.
Variant type: single nucleotide variant.
Coding change: c.15C>T on transcript NM_001384156.1 (MANE Select); coding-DNA position 15, C replaced by T.
Protein change: p.Asp5=; no amino-acid change (aspartic acid 5 retained).
Molecular consequence: synonymous variant. On other transcripts: 5 prime UTR variant (2), non-coding transcript variant (2).
Genome position (GRCh38, 1-based): chr21:45,896,212, C>T. VCF-style: chr21-45896212-C-T. GRCh37 (hg19) VCF-style: chr21-47316126-C-T.
Other names: c.15C>T, p.Asp5= (NM_001130141.2, NM_001348238.2, NM_001348239.2 and 17 more transcripts); c.-82C>T (NM_001348242.2, NM_001382276.1); c.15C>T (NM_001348240.1).
Identifiers: ClinVar variation 712872 (VCV000712872.6), dbSNP rs113211675, ClinGen allele CA10068807.